The following is an entry in ClinVar:

ClinVar aggregate classification (germline): Likely benign. Review status: criteria provided, multiple submitters, no conflicts (2 of 4 stars). 3 submissions from 3 submitters: Likely benign (3). Last evaluated 2026-03-01.

Conditions:
Episodic ataxia type 2 (EA2). Also called: ACETAZOLAMIDE-RESPONSIVE HEREDITARY PAROXYSMAL CEREBELLAR ATAXIA; ATAXIA, EPISODIC, WITH NYSTAGMUS; ATAXIA, FAMILIAL PAROXYSMAL; CEREBELLAR ATAXIA, PAROXYSMAL, ACETAZOLAMIDE-RESPONSIVE; CEREBELLOPATHY, HEREDITARY PAROXYSMAL; EPISODIC ATAXIA, NYSTAGMUS-ASSOCIATED. Identifiers: Orphanet 97, MedGen C1720416, MONDO:0007163, OMIM 108500.
Developmental and epileptic encephalopathy, 42 (DEE42A). Also called: Epileptic encephalopathy, early infantile, 42; DEVELOPMENTAL AND EPILEPTIC ENCEPHALOPATHY 42A; EPILEPTIC ENCEPHALOPATHY, EARLY INFANTILE, 42A. Identifiers: MedGen C4310716, MONDO:0014917, OMIM 617106.

Allele frequency attached by ClinVar (database versions not stated): ExAC 0.00002; gnomAD 0.00004 and 0.00005; gnomAD exomes 0.00005; TOPMed 0.00006.
gnomAD v4.1: 43 of 1,611,940 alleles (0.0027%); highest among the groups gnomAD compares: Admixed American, 0.037%; no homozygotes.

Submissions (3):

CeGaT Center for Human Genetics Tuebingen
Classification: Likely benign. Last evaluated: 2026-03-01. Review status: criteria provided, single submitter. Criteria: CeGaT Center For Human Genetics Tuebingen Variant Classification Criteria Version 2. Collection method: clinical testing. Allele origin: germline. Affected: yes. Observed: 1 variant allele.
Comment: CACNA1A: BP4, BP7

Labcorp Genetics (formerly Invitae), Labcorp
Classification: Likely benign for Developmental and epileptic encephalopathy, 42; Episodic ataxia type 2. Last evaluated: 2026-01-19. Review status: criteria provided, single submitter. Criteria: Invitae Variant Classification Sherloc (09022015). Collection method: clinical testing. Allele origin: germline.

GeneDx
Classification: Likely benign. Last evaluated: 2021-06-05. Review status: criteria provided, single submitter. Criteria: GeneDx Variant Classification Process June 2021. Collection method: clinical testing. Allele origin: germline. Affected: yes.

NM_001127222.2(CACNA1A):c.3843C>T (p.Tyr1281=)

Gene: CACNA1A (calcium voltage-gated channel subunit alpha1 A; minus strand). Cytogenetic location: 19p13.13.
Variant type: single nucleotide variant.
Coding change: c.3843C>T on transcript NM_001127222.2 (MANE Select); coding-DNA position 3843, C replaced by T.
Protein change: p.Tyr1281=; no amino-acid change (tyrosine 1281 retained).
Molecular consequence: synonymous variant.
Genome position (GRCh38, 1-based): chr19:13,277,108, G>A on the plus strand (C>T on the coding strand, the complement: CACNA1A is on the minus strand). VCF-style: chr19-13277108-G-A. GRCh37 (hg19) VCF-style: chr19-13387922-G-A.
Other names: c.3855C>T, p.Tyr1285= (NM_000068.4, NM_023035.3); c.3846C>T, p.Tyr1282= (NM_001127221.2, NM_001174080.2).
Identifiers: ClinVar variation 476257 (VCV000476257.18), dbSNP rs774224202, ClinGen allele CA9240175.